The following is an entry in ClinVar:

NM_001371623.1(TCOF1):c.3985AAG[1] (p.Lys1330del)

Gene: TCOF1 (treacle ribosome biogenesis factor 1; plus strand). Cytogenetic location: 5q32.
Variant type: Microsatellite.
Coding change: c.3985AAG[1] on transcript NM_001371623.1 (MANE Select); one copy of the 3-base unit AAG starting at c.3985; the reference has two copies in a row; one copy, 3 bases deleted.
Protein change: p.Lys1330del; deletes lysine 1330.
Molecular consequence: inframe deletion.
Genome position (GRCh38, 1-based): chr5:150,396,485-150,396,487, AAG deleted; deleting any 3 consecutive bases within chr5:150,396,482-150,396,487 gives the same sequence; the position shown is the placement nearest the transcript's 3' end. VCF-style (leftmost placement, unchanged base first): chr5-150396481-AAAG-A. GRCh37 (hg19) VCF-style: chr5-149776044-AAAG-A.
Other names: c.3751AAG[1], p.Lys1252del (NM_000356.4); c.3982AAG[1], p.Lys1329del (NM_001135243.2); c.3871AAG[1], p.Lys1292del (NM_001135244.2); c.3754AAG[1], p.Lys1253del (NM_001135245.2); c.3868AAG[1], p.Lys1291del (NM_001195141.2); short protein forms K1252del, K1253del, K1291del, K1292del, K1329del, K1330del.
Identifiers: ClinVar variation 1307588 (VCV001307588.2), dbSNP rs1768538361, ClinGen allele CA1082883127.

ClinVar aggregate classification (germline): Uncertain significance (1 of 4 stars; one submission).

Submission:

GeneDx
Classification: Uncertain significance. Last evaluated: 2019-08-02. Review status: criteria provided, single submitter. Criteria: GeneDx Variant Classification Process June 2021. Collection method: clinical testing. Allele origin: germline. Affected: yes.
Comment: In-frame deletion of one amino acid in a non-repeat region; In silico analysis, which includes protein predictors and evolutionary conservation, supports a deleterious effect; Has not been previously published as pathogenic or benign to our knowledge